The following is an entry in ClinVar:

ClinVar aggregate classification (germline): Uncertain significance (1 of 4 stars; one submission).

Submission:

GeneDx
Classification: Uncertain significance. Last evaluated: 2025-01-22. Review status: criteria provided, single submitter. Criteria: GeneDx Variant Classification Process June 2021. Collection method: clinical testing. Allele origin: germline. Affected: yes.
Comment: Canonical splice site variant in a gene or region of a gene for which loss of function is not a well-established mechanism of disease; Not observed at significant frequency in large population cohorts (gnomAD); Has not been previously published as pathogenic or benign to our knowledge

NM_001281775.3(ZMYND8):c.3569-2A>G

Gene: ZMYND8 (zinc finger MYND-type containing 8; minus strand). Cytogenetic location: 20q13.12.
Variant type: single nucleotide variant.
Coding change: c.3569-2A>G on transcript NM_001281775.3 (MANE Select); the canonical splice acceptor site of the intron before coding-DNA position 3569, A replaced by G.
Molecular consequence: splice acceptor variant.
Genome position (GRCh38, 1-based): chr20:47,210,899, T>C on the plus strand (A>G on the coding strand, the complement: ZMYND8 is on the minus strand). VCF-style: chr20-47210899-T-C. GRCh37 (hg19) VCF-style: chr20-45839544-T-C.
Other names: c.3131-2A>G (NM_001281781.3); c.3269-2A>G (NM_001281784.3); c.3029-2A>G (NM_001281771.3); c.3275-2A>G (NM_001281782.3); c.3272-2A>G (NM_183048.4); c.3356-2A>G (NM_001281777.3); c.3410-2A>G (NM_001281778.3); c.3188-2A>G (NM_001281776.3); and 9 more.
Identifiers: ClinVar variation 4071682 (VCV004071682.1).
Genomic context (GRCh38, chr20:47,210,899, plus strand): 5'-TGTCGATCCCCTCTTCTCATCACTGCTGCTCCAACTGGATTTATTACTCCGGGAATGGTC[T>C]GAGGGGGAAAACCAATGTGTTTAGCGTGCCTGCCCACCTGCGCCTGAGCACAACTATCCT-3'